The following is an entry in ClinVar:

ClinVar aggregate classification (germline): Uncertain significance (1 of 4 stars; one submission).

Submission:

Labcorp Genetics (formerly Invitae), Labcorp
Classification: Uncertain significance. Last evaluated: 2025-07-21. Review status: criteria provided, single submitter. Criteria: Invitae Variant Classification Sherloc (09022015). Collection method: clinical testing. Allele origin: germline.
Comment: This sequence change falls in intron 8 of the CNOT1 gene. It does not directly change the encoded amino acid sequence of the CNOT1 protein. It affects a nucleotide within the consensus splice site. This variant is not present in population databases (gnomAD no frequency). This variant has not been reported in the literature in individuals affected with CNOT1-related conditions. ClinVar contains an entry for this variant (Variation ID: 1972375). Variants that disrupt the consensus splice site are a relatively common cause of aberrant splicing (PMID: 17576681, 9536098). Algorithms developed to predict the effect of sequence changes on RNA splicing suggest that this variant is not likely to affect RNA splicing. In summary, the available evidence is currently insufficient to determine the role of this variant in disease. Therefore, it has been classified as a Variant of Uncertain Significance.

Literature cited by the submitters: PubMed 17576681; PubMed 9536098.

NM_016284.5(CNOT1):c.806+4G>C

Gene: CNOT1 (CCR4-NOT transcription complex subunit 1; minus strand). Cytogenetic location: 16q21.
Variant type: single nucleotide variant.
Coding change: c.806+4G>C on transcript NM_016284.5 (MANE Select); 4 bases into the intron after coding-DNA position 806, G replaced by C.
Molecular consequence: intron variant.
Genome position (GRCh38, 1-based): chr16:58,585,334, C>G on the plus strand (G>C on the coding strand, the complement: CNOT1 is on the minus strand). VCF-style: chr16-58585334-C-G. GRCh37 (hg19) VCF-style: chr16-58619238-C-G.
Other names: c.806+4G>C (NM_001265612.2, NM_206999.3).
Identifiers: ClinVar variation 1972375 (VCV001972375.5), dbSNP rs2544096797, ClinGen allele CA2580091749.